The following is an entry in ClinVar:

ClinVar aggregate classification (germline): Uncertain significance (1 of 4 stars; one submission).

Submission:

Ambry Genetics
Classification: Uncertain significance. Last evaluated: 2025-11-24. Review status: criteria provided, single submitter. Criteria: Ambry Variant Classification Scheme 2023. Collection method: clinical testing. Allele origin: germline.
Comment: The p.E928G variant (also known as c.2783A>G), located in coding exon 1 of the MLH3 gene, results from an A to G substitution at nucleotide position 2783. The glutamic acid at codon 928 is replaced by glycine, an amino acid with similar properties. This amino acid position is conserved. In addition, this alteration is predicted to be tolerated by in silico analysis. Based on the available evidence, the clinical significance of this variant remains unclear.

NM_001040108.2(MLH3):c.2783A>G (p.Glu928Gly)

Gene: MLH3 (mutL homolog 3; minus strand). Cytogenetic location: 14q24.3.
Variant type: single nucleotide variant.
Coding change: c.2783A>G on transcript NM_001040108.2 (MANE Select); coding-DNA position 2783, A replaced by G.
Protein change: p.Glu928Gly; replaces glutamic acid 928 with glycine.
Molecular consequence: missense variant.
Genome position (GRCh38, 1-based): chr14:75,046,873, T>C on the plus strand (A>G on the coding strand, the complement: MLH3 is on the minus strand). VCF-style: chr14-75046873-T-C. GRCh37 (hg19) VCF-style: chr14-75513576-T-C.
Other names: c.2783A>G, p.Glu928Gly (NM_014381.3); short protein forms E928G.
Identifiers: ClinVar variation 4552127 (VCV004552127.1).
Genomic context (GRCh38, chr14:75,046,873, plus strand): 5'-TTAAAGGAATTATCCTGTGTGGCAGAATCTGATGTTGGGATGACACCATTCTCTGTTTTT[T>C]CATGCTTGTTGTTAAATAACATACAAAAATCTTGTGTTAACACACTGCACAACTTGCTGT-3'
Protein context (NP_001035197.1, residues 918-938): DFCMLFNNKH[Glu928Gly]KTENGVIPTS